The following is an entry in ClinVar:

ClinVar aggregate classification (germline): Uncertain significance (1 of 4 stars; one submission).

Conditions:
Danon disease. Also called: PSEUDOGLYCOGENOSIS II; GSD IIb; LYSOSOMAL GLYCOGEN STORAGE DISEASE WITHOUT ACID MALTASE DEFICIENCY; ANTOPOL DISEASE; Glycogen Storage Disease Type IIb. Identifiers: Orphanet 34587, MedGen C0878677, MONDO:0010281, OMIM 300257.

gnomAD v4.1: 3 of 1,143,678 alleles (0.00026%); highest among the groups gnomAD compares: Non-Finnish European, 0.00036%; no homozygotes.

Submission:

Labcorp Genetics (formerly Invitae), Labcorp
Classification: Uncertain significance for Danon disease. Last evaluated: 2022-07-15. Review status: criteria provided, single submitter. Criteria: Invitae Variant Classification Sherloc (09022015). Collection method: clinical testing. Allele origin: germline.
Comment: This variant has not been reported in the literature in individuals affected with LAMP2-related conditions. This sequence change replaces arginine, which is basic and polar, with leucine, which is neutral and non-polar, at codon 53 of the LAMP2 protein (p.Arg53Leu). This variant is not present in population databases (gnomAD no frequency). Algorithms developed to predict the effect of missense changes on protein structure and function (SIFT, PolyPhen-2, Align-GVGD) all suggest that this variant is likely to be tolerated. In summary, the available evidence is currently insufficient to determine the role of this variant in disease. Therefore, it has been classified as a Variant of Uncertain Significance.

NM_002294.3(LAMP2):c.158G>T (p.Arg53Leu)

Gene: LAMP2 (lysosome associated membrane protein 2; minus strand). Cytogenetic location: Xq24.
Variant type: single nucleotide variant.
Coding change: c.158G>T on transcript NM_002294.3 (MANE Select); coding-DNA position 158, G replaced by T.
Protein change: p.Arg53Leu; replaces arginine 53 with leucine.
Molecular consequence: missense variant.
Genome position (GRCh38, 1-based): chrX:120,456,676, C>A on the plus strand (G>T on the coding strand, the complement: LAMP2 is on the minus strand). VCF-style: chrX-120456676-C-A. GRCh37 (hg19) VCF-style: chrX-119590531-C-A.
Other names: c.158G>T, p.Arg53Leu (NM_001122606.1, NM_013995.2); short protein forms R53L.
Identifiers: ClinVar variation 2197140 (VCV002197140.4), dbSNP rs397516735, ClinGen allele CA335014093.